The following is an entry in ClinVar:

ClinVar aggregate classification (germline): Uncertain significance (1 of 4 stars; one submission).

Conditions:
Glycogen storage disease due to muscle beta-enolase deficiency (GSD13). Also called: ENOLASE 3 DEFICIENCY; ENOLASE-BETA DEFICIENCY; GSD XIII; Glycogen Storage Disease Type XIII. Identifiers: Orphanet 99849, MedGen C2752027, MONDO:0013046, OMIM 612932.

Allele frequency attached by ClinVar (database versions not stated): gnomAD exomes 0.00002; TOPMed 0.00002; ExAC 0.00004; gnomAD 0.00004; ESP Exome Variant Server 0.00008.
gnomAD v4.1: 30 of 1,609,660 alleles (0.0019%); highest among the groups gnomAD compares: Middle Eastern, 0.016%; no homozygotes.

Submission:

Labcorp Genetics (formerly Invitae), Labcorp
Classification: Uncertain significance for Glycogen storage disease due to muscle beta-enolase deficiency. Last evaluated: 2022-09-15. Review status: criteria provided, single submitter. Criteria: Invitae Variant Classification Sherloc (09022015). Collection method: clinical testing. Allele origin: germline.
Comment: This sequence change replaces phenylalanine, which is neutral and non-polar, with tyrosine, which is neutral and polar, at codon 31 of the ENO3 protein (p.Phe31Tyr). This variant is present in population databases (rs367565420, gnomAD 0.004%). This variant has not been reported in the literature in individuals affected with ENO3-related conditions. Advanced modeling of protein sequence and biophysical properties (such as structural, functional, and spatial information, amino acid conservation, physicochemical variation, residue mobility, and thermodynamic stability) performed at Invitae indicates that this missense variant is not expected to disrupt ENO3 protein function. In summary, the available evidence is currently insufficient to determine the role of this variant in disease. Therefore, it has been classified as a Variant of Uncertain Significance.

NM_053013.4(ENO3):c.92T>A (p.Phe31Tyr)

Gene: ENO3 (enolase 3; plus strand). Cytogenetic location: 17p13.2.
Variant type: single nucleotide variant.
Coding change: c.92T>A on transcript NM_053013.4 (MANE Select); coding-DNA position 92, T replaced by A.
Protein change: p.Phe31Tyr; replaces phenylalanine 31 with tyrosine.
Molecular consequence: missense variant.
Genome position (GRCh38, 1-based): chr17:4,952,801, T>A. VCF-style: chr17-4952801-T-A. GRCh37 (hg19) VCF-style: chr17-4856096-T-A.
Other names: c.92T>A, p.Phe31Tyr (NM_001193503.2, NM_001374523.1, NM_001976.5); c.119T>A, p.Phe40Tyr (NM_001374524.1); short protein forms F31Y, F40Y.
Identifiers: ClinVar variation 2055810 (VCV002055810.4), dbSNP rs367565420, ClinGen allele CA8316142.